The following is an entry in ClinVar:

ClinVar aggregate classification (germline): Likely benign (0 of 4 stars; one submission).

Conditions:
DNAH17-related disorder. Also called: DNAH17-related condition.

gnomAD v4.1: 37 of 1,613,546 alleles (0.0023%); highest among the groups gnomAD compares: East Asian, 0.073%; no homozygotes.

Submission:

PreventionGenetics, part of Exact Sciences
Classification: Likely benign for DNAH17-related condition. Last evaluated: 2019-09-18. Review status: no assertion criteria provided. Collection method: clinical testing. Allele origin: germline.
Comment: This variant is classified as likely benign based on ACMG/AMP sequence variant interpretation guidelines (Richards et al. 2015 PMID: 25741868, with internal and published modifications).

NM_173628.4(DNAH17):c.6882C>G (p.Leu2294=)

Genes: DNAH17 (dynein axonemal heavy chain 17; minus strand), DNAH17-AS1 (DNAH17 antisense RNA 1; plus strand). Cytogenetic location: 17q25.3.
Variant type: single nucleotide variant.
Coding change: c.6882C>G on transcript NM_173628.4 (MANE Select); coding-DNA position 6882, C replaced by G.
Protein change: p.Leu2294=; no amino-acid change (leucine 2294 retained).
Molecular consequence: synonymous variant.
Genome position (GRCh38, 1-based): chr17:78,486,443, G>C on the plus strand (C>G on the coding strand, the complement: DNAH17 is on the minus strand). VCF-style: chr17-78486443-G-C. GRCh37 (hg19) VCF-style: chr17-76482525-G-C.
Identifiers: ClinVar variation 3355014 (VCV003355014.1).